The following is an entry in ClinVar:

NM_005762.3(TRIM28):c.404T>C (p.Met135Thr)

Gene: TRIM28 (tripartite motif containing 28; plus strand). Cytogenetic location: 19q13.43.
Variant type: single nucleotide variant.
Coding change: c.404T>C on transcript NM_005762.3 (MANE Select); coding-DNA position 404, T replaced by C.
Protein change: p.Met135Thr; replaces methionine 135 with threonine.
Molecular consequence: missense variant.
Genome position (GRCh38, 1-based): chr19:58,545,488, T>C. VCF-style: chr19-58545488-T-C. GRCh37 (hg19) VCF-style: chr19-59056855-T-C.
Other names: short protein forms M135T.
Identifiers: ClinVar variation 3602711 (VCV003602711.1).

ClinVar aggregate classification (germline): Uncertain significance (1 of 4 stars; one submission).

Conditions:
Wilms tumor 1 (WT1). Also called: Wilms tumor, somatic. Identifiers: Orphanet 654, MedGen CN033288, MONDO:0008679, OMIM 194070.

Submission:

St. Jude Molecular Pathology, St. Jude Children's Research Hospital
Classification: Uncertain significance for Wilms tumor 1. Last evaluated: 2024-08-02. Review status: criteria provided, single submitter. Criteria: St. Jude Assertion Criteria 2020. Collection method: clinical testing. Allele origin: germline.
Comment: The TRIM28 c.404T>C (p.Met135Thr) missense variant is absent in gnomAD v2.1.1. The in silico tool REVEL predicts a benign effect on protein function, but to our knowledge this prediction has not been confirmed by functional studies. To our knowledge, this variant has not been reported in the literature in individuals with a personal or family history of Wilms tumor. In summary, the evidence currently available is insufficient to determine the clinical significance of this variant. It has therefore been classified as of uncertain significance.